The following is an entry in ClinVar:

ClinVar aggregate classification (germline): Benign/Likely benign. Review status: criteria provided, multiple submitters, no conflicts (2 of 4 stars). 4 submissions from 4 submitters: Benign (1); Likely benign (3). Last evaluated 2026-05-20.

Conditions:
Hereditary cancer-predisposing syndrome. Also called: Hereditary neoplastic syndrome; Neoplastic Syndromes, Hereditary; Hereditary Cancer Syndrome; Tumor predisposition. Identifiers: Orphanet 140162, MedGen C0027672, MeSH D009386, MONDO:0015356.
Neurofibromatosis, type 1 (NF1). Also called: NEUROFIBROMATOSIS, TYPE I, SOMATIC; Neurofibromatosis, type I; VON RECKLINGHAUSEN DISEASE; Peripheral type neurofibromatosis. Identifiers: Orphanet 636, MedGen C0027831, MONDO:0018975, OMIM 162200. Disease mechanism: loss of function.

Allele frequency attached by ClinVar (database versions not stated): gnomAD 0.00001; gnomAD exomes below 0.00001; TOPMed below 0.00001.
gnomAD v4.1: 4 of 1,614,030 alleles (0.00025%); highest among the groups gnomAD compares: African/African-American, 0.0013%; no homozygotes.

Submissions (4):

Myriad Genetics, Inc.
Classification: Benign for Neurofibromatosis, type 1. Last evaluated: 2026-05-20. Review status: criteria provided, single submitter. Criteria: Myriad Autosomal Dominant, Autosomal Recessive and X-Linked Classification Criteria (2023). Collection method: clinical testing. Allele origin: unknown.
Comment: This variant is considered benign. This variant is a silent/synonymous amino acid change and it is not expected to impact splicing.

Labcorp Genetics (formerly Invitae), Labcorp
Classification: Likely benign for Neurofibromatosis, type 1. Last evaluated: 2025-11-25. Review status: criteria provided, single submitter. Criteria: Invitae Variant Classification Sherloc (09022015). Collection method: clinical testing. Allele origin: germline.

Genome-Nilou Lab
Classification: Likely benign for Neurofibromatosis, type 1. Last evaluated: 2022-03-15. Review status: criteria provided, single submitter. Criteria: ACMG Guidelines, 2015. Collection method: clinical testing. Allele origin: germline. Affected: no.

Ambry Genetics
Classification: Likely benign for Hereditary cancer-predisposing syndrome. Last evaluated: 2015-01-16. Review status: criteria provided, single submitter. Criteria: Ambry Autosomal Dominant and X-Linked criteria (10/2015). Collection method: clinical testing. Allele origin: germline. Observed: 1 variant allele.

NM_001042492.3(NF1):c.4899A>G (p.Pro1633=)

Gene: NF1 (neurofibromin 1; plus strand). Cytogenetic location: 17q11.2.
Variant type: single nucleotide variant.
Coding change: c.4899A>G on transcript NM_001042492.3 (MANE Select); coding-DNA position 4899, A replaced by G.
Protein change: p.Pro1633=; no amino-acid change (proline 1633 retained).
Molecular consequence: synonymous variant.
Genome position (GRCh38, 1-based): chr17:31,325,883, A>G. VCF-style: chr17-31325883-A-G. GRCh37 (hg19) VCF-style: chr17-29652901-A-G.
Other names: c.4836A>G, p.Pro1612= (NM_000267.4).
Identifiers: ClinVar variation 230164 (VCV000230164.15), dbSNP rs876658422, ClinGen allele CA10580330.